The following is an entry in ClinVar:

NM_001164760.2(PRKAR1B):c.590G>C (p.Gly197Ala)

Gene: PRKAR1B (protein kinase cAMP-dependent type I regulatory subunit beta; minus strand). Cytogenetic location: 7p22.3.
Variant type: single nucleotide variant.
Coding change: c.590G>C on transcript NM_001164760.2 (MANE Select); coding-DNA position 590, G replaced by C.
Protein change: p.Gly197Ala; replaces glycine 197 with alanine.
Molecular consequence: missense variant.
Genome position (GRCh38, 1-based): chr7:596,264, C>G on the plus strand (G>C on the coding strand, the complement: PRKAR1B is on the minus strand). VCF-style: chr7-596264-C-G. GRCh37 (hg19) VCF-style: chr7-635901-C-G.
Other names: c.590G>C, p.Gly197Ala (NM_001164758.2, NM_001164759.1, NM_001164761.2 and 2 more transcripts); short protein forms G197A.
Identifiers: ClinVar variation 3602333 (VCV003602333.1).

ClinVar aggregate classification (germline): Uncertain significance (1 of 4 stars; one submission).

gnomAD v4.1: 1 of 1,613,780 alleles (0.000062%); no homozygotes.

Submission:

GeneDx
Classification: Uncertain significance. Last evaluated: 2024-07-26. Review status: criteria provided, single submitter. Criteria: GeneDx Variant Classification Process June 2021. Collection method: clinical testing. Allele origin: germline. Affected: yes.
Comment: Not observed at significant frequency in large population cohorts (gnomAD); In silico analysis supports that this missense variant has a deleterious effect on protein structure/function; Has not been previously published as pathogenic or benign to our knowledge